The following is an entry in ClinVar:

NM_001378452.1(ITPR1):c.6292-8C>G

Gene: ITPR1 (inositol 1,4,5-trisphosphate receptor type 1; plus strand). Cytogenetic location: 3p26.1.
Variant type: single nucleotide variant.
Coding change: c.6292-8C>G on transcript NM_001378452.1 (MANE Select); 8 bases into the intron before coding-DNA position 6292, C replaced by G.
Molecular consequence: intron variant.
Genome position (GRCh38, 1-based): chr3:4,779,542, C>G. VCF-style: chr3-4779542-C-G. GRCh37 (hg19) VCF-style: chr3-4821226-C-G.
Other names: c.6148-8C>G (NM_001099952.4); c.6247-8C>G (NM_001168272.2); c.6103-8C>G (NM_002222.7).
Identifiers: ClinVar variation 3389884 (VCV003389884.14).

ClinVar aggregate classification (germline): Uncertain significance (1 of 4 stars; one submission).

Submission:

CeGaT Center for Human Genetics Tuebingen
Classification: Uncertain significance. Last evaluated: 2024-10-01. Review status: criteria provided, single submitter. Criteria: CeGaT Center For Human Genetics Tuebingen Variant Classification Criteria Version 2. Collection method: clinical testing. Allele origin: germline. Affected: yes. Observed: 1 variant allele.
Comment: ITPR1: PM2, BP4